The following is an entry in ClinVar:

NM_004006.3(DMD):c.1603G>A (p.Val535Ile)

Gene: DMD (dystrophin; minus strand). Cytogenetic location: Xp21.1.
Variant type: single nucleotide variant.
Coding change: c.1603G>A on transcript NM_004006.3 (MANE Select); coding-DNA position 1603, G replaced by A.
Protein change: p.Val535Ile; replaces valine 535 with isoleucine.
Molecular consequence: missense variant.
Genome position (GRCh38, 1-based): chrX:32,573,846, C>T on the plus strand (G>A on the coding strand, the complement: DMD is on the minus strand). VCF-style: chrX-32573846-C-T. GRCh37 (hg19) VCF-style: chrX-32591963-C-T.
Other names: c.1579G>A, p.Val527Ile (NM_000109.4); c.1591G>A, p.Val531Ile (NM_004009.3); c.1234G>A, p.Val412Ile (NM_004010.3); short protein forms V412I, V527I, V531I, V535I.
Identifiers: ClinVar variation 978344 (VCV000978344.6), dbSNP rs2052711854, ClinGen allele CA412673543.

ClinVar aggregate classification (germline): Uncertain significance. Review status: criteria provided, multiple submitters, no conflicts (2 of 4 stars). 3 submissions from 3 submitters: Uncertain significance (3). Last evaluated 2023-11-17.

Conditions:
Duchenne muscular dystrophy (DMD). Also called: MUSCULAR DYSTROPHY, PSEUDOHYPERTROPHIC PROGRESSIVE, DUCHENNE TYPE; Duchenne Muscular Dystrophy (DMD). Identifiers: Orphanet 98896, MedGen C0013264, MONDO:0010679, OMIM 310200.
Conduction disorder of the heart. Also called: Cardiac conduction defect. Identifiers: Orphanet 871, MedGen C0264886, MONDO:0100042, OMIM 115080.

Allele frequency attached by ClinVar (database versions not stated): gnomAD exomes below 0.00001.
gnomAD v4.1: 4 of 1,197,144 alleles (0.00033%); highest among the groups gnomAD compares: Non-Finnish European, 0.00034%; no homozygotes.

Submissions (3):

Labcorp Genetics (formerly Invitae), Labcorp
Classification: Uncertain significance for Duchenne muscular dystrophy. Last evaluated: 2023-11-17. Review status: criteria provided, single submitter. Criteria: Invitae Variant Classification Sherloc (09022015). Collection method: clinical testing. Allele origin: germline.
Comment: This sequence change replaces valine, which is neutral and non-polar, with isoleucine, which is neutral and non-polar, at codon 535 of the DMD protein (p.Val535Ile). This variant is not present in population databases (gnomAD no frequency). This variant has not been reported in the literature in individuals affected with DMD-related conditions. ClinVar contains an entry for this variant (Variation ID: 978344). Algorithms developed to predict the effect of missense changes on protein structure and function output the following: SIFT: "Not Available"; PolyPhen-2: "Possibly Damaging"; Align-GVGD: "Not Available". The isoleucine amino acid residue is found in multiple mammalian species, which suggests that this missense change does not adversely affect protein function. In summary, the available evidence is currently insufficient to determine the role of this variant in disease. Therefore, it has been classified as a Variant of Uncertain Significance.

Revvity Omics, Revvity
Classification: Uncertain significance. Last evaluated: 2019-11-19. Review status: criteria provided, single submitter. Criteria: ACMG Guidelines, 2015. Collection method: clinical testing. Allele origin: germline.

Molecular Diagnostic Laboratory for Inherited Cardiovascular Disease, Montreal Heart Institute
Classification: Uncertain significance for Conduction disorder of the heart. Last evaluated: 2019-04-16. Review status: criteria provided, single submitter. Criteria: ACMG Guidelines, 2015. Collection method: clinical testing. Allele origin: germline. Affected: yes.